The following is an entry in ClinVar:

NM_000256.3(MYBPC3):c.2246A>G (p.Tyr749Cys)

Gene: MYBPC3 (myosin binding protein C3; minus strand). Cytogenetic location: 11p11.2.
Variant type: single nucleotide variant.
Coding change: c.2246A>G on transcript NM_000256.3 (MANE Select); coding-DNA position 2246, A replaced by G.
Protein change: p.Tyr749Cys; replaces tyrosine 749 with cysteine.
Molecular consequence: missense variant.
Genome position (GRCh38, 1-based): chr11:47,338,582, T>C on the plus strand (A>G on the coding strand, the complement: MYBPC3 is on the minus strand). VCF-style: chr11-47338582-T-C. GRCh37 (hg19) VCF-style: chr11-47360133-T-C.
Other names: short protein forms Y749C.
Identifiers: ClinVar variation 877423 (VCV000877423.11), dbSNP rs1464769206, ClinGen allele CA380320265.

ClinVar aggregate classification (germline): Conflicting classifications of pathogenicity. Review status: criteria provided, conflicting classifications (1 of 4 stars). 3 submissions from 2 submitters: Likely pathogenic (1); Uncertain significance (2). Last evaluated 2022-01-05.

Conditions:
Hypertrophic cardiomyopathy. Also called: HYPERTROPHIC MYOCARDIOPATHY. Identifiers: Orphanet 217569, MedGen C0007194, MeSH D002312, MONDO:0005045, HP:0001639.
Left ventricular noncompaction 10 (LVNC10). Identifiers: Orphanet 154, Orphanet 54260, MedGen C3715165, MONDO:0014163, OMIM 615396.
Hypertrophic cardiomyopathy 4. Also called: Familial hypertrophic cardiomyopathy 4. Identifiers: MedGen C1861862, MONDO:0007268, OMIM 115197.

Allele frequency attached by ClinVar (database versions not stated): gnomAD exomes below 0.00001.
gnomAD v4.1: 1 of 1,614,054 alleles (0.000062%); highest among the groups gnomAD compares: Non-Finnish European, 0.000085%; no homozygotes.

Submissions (3):

Labcorp Genetics (formerly Invitae), Labcorp
Classification: Likely pathogenic for Hypertrophic cardiomyopathy. Last evaluated: 2022-01-05. Review status: criteria provided, single submitter. Criteria: Invitae Variant Classification Sherloc (09022015). Collection method: clinical testing. Allele origin: germline.
Comment: This missense change has been observed in individuals with hypertrophic cardiomyopathy (PMID: 25342278, 28356264). In summary, the currently available evidence indicates that the variant is pathogenic, but additional data are needed to prove that conclusively. Therefore, this variant has been classified as Likely Pathogenic. Algorithms developed to predict the effect of missense changes on protein structure and function (SIFT, PolyPhen-2, Align-GVGD) all suggest that this variant is likely to be disruptive. ClinVar contains an entry for this variant (Variation ID: 877423). This variant is present in population databases (no rsID available, gnomAD 0.0009%). This sequence change replaces tyrosine, which is neutral and polar, with cysteine, which is neutral and slightly polar, at codon 749 of the MYBPC3 protein (p.Tyr749Cys).

Illumina Laboratory Services, Illumina
Classification: Uncertain significance for Left ventricular noncompaction 10. Last evaluated: 2017-10-09. Review status: criteria provided, single submitter. Criteria: ICSL Variant Classification Criteria 13 December 2019. Collection method: clinical testing. Allele origin: germline.
Comment: This variant was observed as part of a predisposition screen in an ostensibly healthy population. A literature search was performed for the gene, cDNA change, and amino acid change (where applicable). Publications were found based on this search. However, the evidence from the literature, in combination with allele frequency data from public databases where available, was not sufficient to rule this variant in or out of causing disease. Therefore, this variant is classified as a variant of unknown significance.

Illumina Laboratory Services, Illumina
Classification: Uncertain significance for Hypertrophic cardiomyopathy 4. Last evaluated: 2017-10-09. Review status: criteria provided, single submitter. Criteria: ICSL Variant Classification Criteria 13 December 2019. Collection method: clinical testing. Allele origin: germline.
Comment: the same text as in the submission from Illumina Laboratory Services, Illumina above.

Literature cited by the submitters: PubMed 25342278 (cited by Labcorp Genetics (formerly Invitae), Labcorp and Illumina Laboratory Services, Illumina); PubMed 28356264 (cited by Labcorp Genetics (formerly Invitae), Labcorp); PubMed 26688216 (cited by Illumina Laboratory Services, Illumina).